The following is an entry in ClinVar:

ClinVar aggregate classification (germline): Uncertain significance. Review status: criteria provided, multiple submitters, no conflicts (2 of 4 stars). 2 submissions from 2 submitters: Uncertain significance (2). Last evaluated 2024-11-05.

Allele frequency attached by ClinVar (database versions not stated): gnomAD exomes below 0.00001.
gnomAD v4.1: 2 of 1,614,106 alleles (0.00012%); highest among the groups gnomAD compares: African/African-American, 0.0027%; no homozygotes.

Submissions (2):

Labcorp Genetics (formerly Invitae), Labcorp
Classification: Uncertain significance. Last evaluated: 2024-11-05. Review status: criteria provided, single submitter. Criteria: Invitae Variant Classification Sherloc (09022015). Collection method: clinical testing. Allele origin: germline.
Comment: This sequence change replaces aspartic acid, which is acidic and polar, with asparagine, which is neutral and polar, at codon 167 of the CNNM4 protein (p.Asp167Asn). This variant is present in population databases (no rsID available, gnomAD 0.007%). This variant has not been reported in the literature in individuals affected with CNNM4-related conditions. ClinVar contains an entry for this variant (Variation ID: 1436759). Invitae Evidence Modeling of protein sequence and biophysical properties (such as structural, functional, and spatial information, amino acid conservation, physicochemical variation, residue mobility, and thermodynamic stability) indicates that this missense variant is not expected to disrupt CNNM4 protein function with a negative predictive value of 80%. In summary, the available evidence is currently insufficient to determine the role of this variant in disease. Therefore, it has been classified as a Variant of Uncertain Significance.

Blueprint Genetics
Classification: Uncertain significance. Last evaluated: 2022-06-08. Review status: criteria provided, single submitter. Criteria: ACMG Guidelines, 2015. Collection method: clinical testing. Allele origin: germline.

NM_020184.4(CNNM4):c.499G>A (p.Asp167Asn)

Gene: CNNM4 (cyclin and CBS domain divalent metal cation transport mediator 4; plus strand). Cytogenetic location: 2q11.2.
Variant type: single nucleotide variant.
Coding change: c.499G>A on transcript NM_020184.4 (MANE Select); coding-DNA position 499, G replaced by A.
Protein change: p.Asp167Asn; replaces aspartic acid 167 with asparagine.
Molecular consequence: missense variant.
Genome position (GRCh38, 1-based): chr2:96,761,498, G>A. VCF-style: chr2-96761498-G-A. GRCh37 (hg19) VCF-style: chr2-97427235-G-A.
Other names: short protein forms D167N.
Identifiers: ClinVar variation 1436759 (VCV001436759.7), dbSNP rs1198758175, ClinGen allele CA347714086.